The following is an entry in ClinVar:

NM_001365536.1(SCN9A):c.689-20C>G

Gene: SCN9A (sodium voltage-gated channel alpha subunit 9; minus strand). Cytogenetic location: 2q24.3.
Variant type: single nucleotide variant.
Coding change: c.689-20C>G on transcript NM_001365536.1 (MANE Select); 20 bases into the intron before coding-DNA position 689, C replaced by G.
Molecular consequence: intron variant.
Genome position (GRCh38, 1-based): chr2:166,303,322, G>C on the plus strand (C>G on the coding strand, the complement: SCN9A is on the minus strand). VCF-style: chr2-166303322-G-C. GRCh37 (hg19) VCF-style: chr2-167159832-G-C.
Other names: c.689-20C>G (NM_002977.4).
Identifiers: ClinVar variation 682294 (VCV000682294.12), dbSNP rs112644902, ClinGen allele CA1944673.

ClinVar aggregate classification (germline): Benign/Likely benign. Review status: criteria provided, multiple submitters, no conflicts (2 of 4 stars). 4 submissions from 4 submitters: Benign (1); Likely benign (3). Last evaluated 2026-01-17.

Conditions:
Generalized epilepsy with febrile seizures plus, type 7 (GEFSP7). Also called: GEFS+, TYPE 7. Identifiers: Orphanet 36387, MedGen C2751778, MONDO:0013470, OMIM 613863.
Neuropathy, hereditary sensory and autonomic, type 2A (HSAN2A). Also called: ACROOSTEOLYSIS, GIACCAI TYPE; ACROOSTEOLYSIS, NEUROGENIC; MORVAN DISEASE; NEUROPATHY, CONGENITAL SENSORY; NEUROPATHY, HEREDITARY SENSORY RADICULAR, AUTOSOMAL RECESSIVE; NEUROPATHY, HEREDITARY SENSORY, TYPE IIA. Identifiers: Orphanet 970, MedGen C2752089, MONDO:0024309, OMIM 201300.

Allele frequency attached by ClinVar (database versions not stated): TOPMed 0.00135; 1000 Genomes Project 30x 0.00047; 1000 Genomes Project 0.00060; ESP Exome Variant Server 0.00108.
gnomAD v4.1: 344 of 1,599,014 alleles (0.022%); highest among the groups gnomAD compares: African/African-American, 0.43%; 1 homozygote.

Submissions (4):

Labcorp Genetics (formerly Invitae), Labcorp
Classification: Benign for Neuropathy, hereditary sensory and autonomic, type 2A; Generalized epilepsy with febrile seizures plus, type 7. Last evaluated: 2026-01-17. Review status: criteria provided, single submitter. Criteria: Invitae Variant Classification Sherloc (09022015). Collection method: clinical testing. Allele origin: germline.

Women's Health and Genetics/Laboratory Corporation of America, LabCorp
Classification: Likely benign. Last evaluated: 2025-01-13. Review status: criteria provided, single submitter. Criteria: LabCorp Variant Classification Summary - May 2015. Collection method: clinical testing. Allele origin: germline.

Blueprint Genetics
Classification: Likely benign. Last evaluated: 2024-11-05. Review status: criteria provided, single submitter. Criteria: ACMG Guidelines, 2015. Collection method: clinical testing. Allele origin: germline.

GeneDx
Classification: Likely benign. Last evaluated: 2018-04-25. Review status: criteria provided, single submitter. Criteria: GeneDx Variant Classification (06012015). Collection method: clinical testing. Allele origin: germline. Affected: yes.
Comment: This variant is considered likely benign or benign based on one or more of the following criteria: it is a conservative change, it occurs at a poorly conserved position in the protein, it is predicted to be benign by multiple in silico algorithms, and/or has population frequency not consistent with disease.